The following is an entry in ClinVar:

NM_001376.5(DYNC1H1):c.961+5C>G

Gene: DYNC1H1 (dynein cytoplasmic 1 heavy chain 1; plus strand). Cytogenetic location: 14q32.31.
Variant type: single nucleotide variant.
Coding change: c.961+5C>G on transcript NM_001376.5 (MANE Select); 5 bases into the intron after coding-DNA position 961, C replaced by G.
Molecular consequence: intron variant.
Genome position (GRCh38, 1-based): chr14:101,980,555, C>G. VCF-style: chr14-101980555-C-G. GRCh37 (hg19) VCF-style: chr14-102446892-C-G.
Identifiers: ClinVar variation 2909261 (VCV002909261.3), dbSNP rs1157067765, ClinGen allele CA616580024.

ClinVar aggregate classification (germline): Uncertain significance (1 of 4 stars; one submission).

Conditions:
Charcot-Marie-Tooth disease axonal type 2O. Also called: Charcot-Marie-Tooth Neuropathy Type 2O; CHARCOT-MARIE-TOOTH NEUROPATHY, AXONAL, TYPE 2O; CHARCOT-MARIE-TOOTH DISEASE, AXONAL, AUTOSOMAL DOMINANT, TYPE 2O; Charcot-Marie-Tooth disease, axonal, type 20. Identifiers: Orphanet 284232, MedGen C3280220, MONDO:0013644, OMIM 614228.

Allele frequency attached by ClinVar (database versions not stated): gnomAD exomes below 0.00001; TOPMed below 0.00001; gnomAD 0.00001.
gnomAD v4.1: 3 of 1,613,764 alleles (0.00019%); highest among the groups gnomAD compares: South Asian, 0.0022%; no homozygotes.

Submission:

Labcorp Genetics (formerly Invitae), Labcorp
Classification: Uncertain significance for Charcot-Marie-Tooth disease axonal type 2O. Last evaluated: 2023-08-03. Review status: criteria provided, single submitter. Criteria: Invitae Variant Classification Sherloc (09022015). Collection method: clinical testing. Allele origin: germline.
Comment: This sequence change falls in intron 5 of the DYNC1H1 gene. It does not directly change the encoded amino acid sequence of the DYNC1H1 protein. It affects a nucleotide within the consensus splice site. This variant is present in population databases (no rsID available, gnomAD 0.003%). This variant has not been reported in the literature in individuals affected with DYNC1H1-related conditions. Variants that disrupt the consensus splice site are a relatively common cause of aberrant splicing (PMID: 17576681, 9536098). Algorithms developed to predict the effect of sequence changes on RNA splicing suggest that this variant is not likely to affect RNA splicing. In summary, the available evidence is currently insufficient to determine the role of this variant in disease. Therefore, it has been classified as a Variant of Uncertain Significance.

Literature cited by the submitters: PubMed 17576681; PubMed 9536098.